The following is an entry in ClinVar:

NM_181552.4(CUX1):c.1085A>G (p.Lys362Arg)

Gene: CUX1 (cut like homeobox 1; plus strand). Cytogenetic location: 7q22.1.
Variant type: single nucleotide variant.
Coding change: c.1085A>G on transcript NM_181552.4 (MANE Select); coding-DNA position 1085, A replaced by G.
Protein change: p.Lys362Arg; replaces lysine 362 with arginine.
Molecular consequence: missense variant.
Genome position (GRCh38, 1-based): chr7:102,193,850, A>G. VCF-style: chr7-102193850-A-G. GRCh37 (hg19) VCF-style: chr7-101837130-A-G.
Other names: c.1118A>G, p.Lys373Arg (NM_001202543.2, NM_001913.5); c.1070A>G, p.Lys357Arg (NM_001202544.3); c.980A>G, p.Lys327Arg (NM_001202545.3); c.1001A>G, p.Lys334Arg (NM_001202546.3); c.1112A>G, p.Lys371Arg (NM_181500.4); short protein forms K327R, K334R, K357R, K362R, K371R, K373R.
Identifiers: ClinVar variation 4689748 (VCV004689748.1).
Genomic context (GRCh38, chr7:102,193,850, plus strand): 5'-AGACTCTGTCTCAAAAAATAAATAAAATAACCCCTCTGTTGTGCTCTTGCAGCATTCTGA[A>G]GTCCATGGAGTTTGCACCGTCCGAGGGCGCTGGGACACAGGTACGTGTCTCACCTCAATG-3'
Protein context (NP_853530.2, residues 352-372): EEVKKELNIL[Lys362Arg]SMEFAPSEGA

ClinVar aggregate classification (germline): Uncertain significance (1 of 4 stars; one submission).

gnomAD v4.1: 4 of 1,614,004 alleles (0.00025%); highest among the groups gnomAD compares: Non-Finnish European, 0.00034%; no homozygotes.

Submission:

Women's Health and Genetics/Laboratory Corporation of America, LabCorp
Classification: Uncertain significance. Last evaluated: 2026-01-23. Review status: criteria provided, single submitter. Criteria: LabCorp Variant Classification Summary - May 2015. Collection method: clinical testing. Allele origin: germline.
Comment: Variant summary: CUX1 c.1118A>G (p.Lys373Arg) results in a conservative amino acid change in the encoded protein sequence. Algorithms developed to predict the effect of missense changes on protein structure and function are either unavailable or do not agree on the potential impact of this missense change. The variant was absent in 251182 control chromosomes. The available data on variant occurrences in the general population are insufficient to allow any conclusion about variant significance. To our knowledge, no occurrence of c.1118A>G in individuals affected with CUX1-related conditions and no experimental evidence demonstrating its impact on protein function have been reported. No submitters have cited clinical-significance assessments for this variant to ClinVar. Based on the evidence outlined above, the variant was classified as uncertain significance.